The following is an entry in ClinVar:

NM_001367624.2(ZNF469):c.7838G>A (p.Arg2613Gln)

Gene: ZNF469 (zinc finger protein 469; plus strand). Cytogenetic location: 16q24.2.
Variant type: single nucleotide variant.
Coding change: c.7838G>A on transcript NM_001367624.2 (MANE Select); coding-DNA position 7838, G replaced by A.
Protein change: p.Arg2613Gln; replaces arginine 2613 with glutamine.
Molecular consequence: missense variant.
Genome position (GRCh38, 1-based): chr16:88,435,308, G>A. VCF-style: chr16-88435308-G-A. GRCh37 (hg19) VCF-style: chr16-88501716-G-A.
Other names: short protein forms R2613Q.
Identifiers: ClinVar variation 4537215 (VCV004537215.1).

ClinVar aggregate classification (germline): Uncertain significance (1 of 4 stars; one submission).

gnomAD v4.1: 11 of 1,550,234 alleles (0.00071%); highest among the groups gnomAD compares: Admixed American, 0.002%; no homozygotes.

Submission:

Women's Health and Genetics/Laboratory Corporation of America, LabCorp
Classification: Uncertain significance. Last evaluated: 2025-11-25. Review status: criteria provided, single submitter. Criteria: LabCorp Variant Classification Summary - May 2015. Collection method: clinical testing. Allele origin: germline.
Comment: Variant summary: ZNF469 c.7838G>A (p.Arg2613Gln) results in a conservative amino acid change in the encoded protein sequence. Algorithms developed to predict the effect of missense changes on protein structure and function are either unavailable or do not agree on the potential impact of this missense change. The variant allele was found at a frequency of 1.3e-05 in 153284 control chromosomes (gnomAD). The available data on variant occurrences in the general population are insufficient to allow any conclusion about variant significance. To our knowledge, no occurrence of c.7838G>A in individuals affected with ZNF469-related conditions and no experimental evidence demonstrating its impact on protein function have been reported. No submitters have cited clinical-significance assessments for this variant to ClinVar. Based on the evidence outlined above, the variant was classified as uncertain significance.